The following is an entry in ClinVar:

NM_014639.4(SKIC3):c.926G>C (p.Trp309Ser)

Gene: SKIC3 (SKI3 subunit of superkiller complex; minus strand). Cytogenetic location: 5q15.
Variant type: single nucleotide variant.
Coding change: c.926G>C on transcript NM_014639.4 (MANE Select); coding-DNA position 926, G replaced by C.
Protein change: p.Trp309Ser; replaces tryptophan 309 with serine.
Molecular consequence: missense variant.
Genome position (GRCh38, 1-based): chr5:95,529,069, C>G on the plus strand (G>C on the coding strand, the complement: SKIC3 is on the minus strand). VCF-style: chr5-95529069-C-G. GRCh37 (hg19) VCF-style: chr5-94864773-C-G.
Other names: short protein forms W309S.
Identifiers: ClinVar variation 3004673 (VCV003004673.3), dbSNP rs574570030, ClinGen allele CA3347478.

ClinVar aggregate classification (germline): Uncertain significance (1 of 4 stars; one submission).

Allele frequency attached by ClinVar (database versions not stated): gnomAD exomes below 0.00001; ExAC 0.00001; gnomAD 0.00001; TOPMed 0.00001; 1000 Genomes Project 0.00020; 1000 Genomes Project 30x 0.00031.
gnomAD v4.1: 2 of 1,613,690 alleles (0.00012%); highest among the groups gnomAD compares: African/African-American, 0.0027%; no homozygotes.

Submission:

Labcorp Genetics (formerly Invitae), Labcorp
Classification: Uncertain significance. Last evaluated: 2023-09-12. Review status: criteria provided, single submitter. Criteria: Invitae Variant Classification Sherloc (09022015). Collection method: clinical testing. Allele origin: germline.
Comment: This sequence change replaces tryptophan, which is neutral and slightly polar, with serine, which is neutral and polar, at codon 309 of the TTC37 protein (p.Trp309Ser). This variant is present in population databases (rs574570030, gnomAD 0.007%). This variant has not been reported in the literature in individuals affected with TTC37-related conditions. An algorithm developed to predict the effect of missense changes on protein structure and function (PolyPhen-2) suggests that this variant is likely to be disruptive. In summary, the available evidence is currently insufficient to determine the role of this variant in disease. Therefore, it has been classified as a Variant of Uncertain Significance.